The following is an entry in ClinVar:

NM_014875.3(KIF14):c.4421C>T (p.Ser1474Leu)

Gene: KIF14 (kinesin family member 14; minus strand). Cytogenetic location: 1q32.1.
Variant type: single nucleotide variant.
Coding change: c.4421C>T on transcript NM_014875.3 (MANE Select); coding-DNA position 4421, C replaced by T.
Protein change: p.Ser1474Leu; replaces serine 1474 with leucine.
Molecular consequence: missense variant.
Genome position (GRCh38, 1-based): chr1:200,555,387, G>A on the plus strand (C>T on the coding strand, the complement: KIF14 is on the minus strand). VCF-style: chr1-200555387-G-A. GRCh37 (hg19) VCF-style: chr1-200524515-G-A.
Other names: c.2948C>T, p.Ser983Leu (NM_001305792.1); c.4421C>T (NM_014875.2); short protein forms S983L, S1474L.
Identifiers: ClinVar variation 1929849 (VCV001929849.8), dbSNP rs1171587667, ClinGen allele CA344113294.

ClinVar aggregate classification (germline): Uncertain significance. Review status: criteria provided, multiple submitters, no conflicts (2 of 4 stars). 2 submissions from 2 submitters: Uncertain significance (2). Last evaluated 2025-12-01.

Conditions:
Inborn genetic diseases. Identifiers: MedGen C0950123, MeSH D030342.

Allele frequency attached by ClinVar (database versions not stated): gnomAD 0.00001; TOPMed 0.00001.
gnomAD v4.1: 14 of 1,570,044 alleles (0.00089%); highest among the groups gnomAD compares: Admixed American, 0.0018%; no homozygotes.

Submissions (2):

Labcorp Genetics (formerly Invitae), Labcorp
Classification: Uncertain significance. Last evaluated: 2025-12-01. Review status: criteria provided, single submitter. Criteria: Invitae Variant Classification Sherloc (09022015). Collection method: clinical testing. Allele origin: germline.
Comment: This sequence change replaces serine, which is neutral and polar, with leucine, which is neutral and non-polar, at codon 1474 of the KIF14 protein (p.Ser1474Leu). The frequency data for this variant in the population databases is considered unreliable, as metrics indicate poor data quality at this position in the gnomAD database. This variant has not been reported in the literature in individuals affected with KIF14-related conditions. ClinVar contains an entry for this variant (Variation ID: 1929849). An algorithm developed to predict the effect of missense changes on protein structure and function outputs the following: PolyPhen-2: "Benign". The leucine amino acid residue is found in multiple mammalian species, which suggests that this missense change does not adversely affect protein function. In summary, the available evidence is currently insufficient to determine the role of this variant in disease. Therefore, it has been classified as a Variant of Uncertain Significance.

Ambry Genetics
Classification: Uncertain significance for Inborn genetic diseases. Last evaluated: 2025-10-17. Review status: criteria provided, single submitter. Criteria: Ambry Variant Classification Scheme 2023. Collection method: clinical testing. Allele origin: germline.